The following is an entry in ClinVar:

NM_145064.3(STAC3):c.34C>G (p.Pro12Ala)

Gene: STAC3 (SH3 and cysteine rich domain 3; minus strand). Cytogenetic location: 12q13.3.
Variant type: single nucleotide variant.
Coding change: c.34C>G on transcript NM_145064.3 (MANE Select); coding-DNA position 34, C replaced by G.
Protein change: p.Pro12Ala; replaces proline 12 with alanine.
Molecular consequence: missense variant. On other transcripts: intron variant (2).
Genome position (GRCh38, 1-based): chr12:57,249,603, G>C on the plus strand (C>G on the coding strand, the complement: STAC3 is on the minus strand). VCF-style: chr12-57249603-G-C. GRCh37 (hg19) VCF-style: chr12-57643386-G-C.
Other names: c.-127+1390C>G (NM_001286257.2); c.-51-295C>G (NM_001286256.2); short protein forms P12A.
Identifiers: ClinVar variation 860705 (VCV000860705.9), dbSNP rs1382772416, ClinGen allele CA385418494.
Genomic context (GRCh38, chr12:57,249,603, plus strand): 5'-CACCCAGTGGTCAGAGGCCCAGACTCACCCCACTTTGCCGAGTCTCTGCTGGGAAGGAGG[G>C]CTTAGGGGACTCCAGCACCTCCTTTTCTGTCATCCTGCAAGAGGTTGGACCCCACTATGA-3'
Protein context (NP_659501.1, residues 2-22): TEKEVLESPK[Pro12Ala]SFPAETRQSG

ClinVar aggregate classification (germline): Uncertain significance. Review status: criteria provided, multiple submitters, no conflicts (2 of 4 stars). 2 submissions from 2 submitters: Uncertain significance (2). Last evaluated 2023-12-05.

Conditions:
Bailey-Bloch congenital myopathy (CMYO13). Also called: Native American myopathy; Congenital myopathy 13; STAC3 disorder. Identifiers: Orphanet 168572, MedGen C1850625, MONDO:0009722, OMIM 255995.

Allele frequency attached by ClinVar (database versions not stated): gnomAD exomes below 0.00001; TOPMed 0.00001.
gnomAD v4.1: 3 of 1,614,068 alleles (0.00019%); highest among the groups gnomAD compares: Admixed American, 0.0017%; no homozygotes.

Submissions (2):

Revvity Omics, Revvity
Classification: Uncertain significance for Bailey-Bloch congenital myopathy. Last evaluated: 2023-12-05. Review status: criteria provided, single submitter. Criteria: ACMG Guidelines, 2015. Collection method: clinical testing. Allele origin: germline.

Labcorp Genetics (formerly Invitae), Labcorp
Classification: Uncertain significance for Bailey-Bloch congenital myopathy. Last evaluated: 2022-07-19. Review status: criteria provided, single submitter. Criteria: Invitae Variant Classification Sherloc (09022015). Collection method: clinical testing. Allele origin: germline.
Comment: In summary, the available evidence is currently insufficient to determine the role of this variant in disease. Therefore, it has been classified as a Variant of Uncertain Significance. Algorithms developed to predict the effect of missense changes on protein structure and function are either unavailable or do not agree on the potential impact of this missense change (SIFT: "Deleterious"; PolyPhen-2: "Benign"; Align-GVGD: "Class C0"). ClinVar contains an entry for this variant (Variation ID: 860705). This variant has not been reported in the literature in individuals affected with STAC3-related conditions. This variant is present in population databases (no rsID available, gnomAD 0.003%). This sequence change replaces proline, which is neutral and non-polar, with alanine, which is neutral and non-polar, at codon 12 of the STAC3 protein (p.Pro12Ala).